The following is an entry in ClinVar:

ClinVar aggregate classification (germline): Uncertain significance (1 of 4 stars; one submission).

gnomAD v4.1: 39 of 1,614,014 alleles (0.0024%); highest among the groups gnomAD compares: Non-Finnish European, 0.003%; no homozygotes.

Submission:

Labcorp Genetics (formerly Invitae), Labcorp
Classification: Uncertain significance. Last evaluated: 2025-10-12. Review status: criteria provided, single submitter. Criteria: Invitae Variant Classification Sherloc (09022015). Collection method: clinical testing. Allele origin: germline.
Comment: This sequence change replaces serine, which is neutral and polar, with glycine, which is neutral and non-polar, at codon 157 of the ATP6V1A protein (p.Ser157Gly). This variant is present in population databases (no rsID available, gnomAD 0.003%). This variant has not been reported in the literature in individuals affected with ATP6V1A-related conditions. Invitae Evidence Modeling of protein sequence and biophysical properties (such as structural, functional, and spatial information, amino acid conservation, physicochemical variation, residue mobility, and thermodynamic stability) indicates that this missense variant is not expected to disrupt ATP6V1A protein function with a negative predictive value of 80%. In summary, the available evidence is currently insufficient to determine the role of this variant in disease. Therefore, it has been classified as a Variant of Uncertain Significance.

NM_001690.4(ATP6V1A):c.469A>G (p.Ser157Gly)

Gene: ATP6V1A (ATPase H+ transporting V1 subunit A; plus strand). Cytogenetic location: 3q13.31.
Variant type: single nucleotide variant.
Coding change: c.469A>G on transcript NM_001690.4 (MANE Select); coding-DNA position 469, A replaced by G.
Protein change: p.Ser157Gly; replaces serine 157 with glycine.
Molecular consequence: missense variant.
Genome position (GRCh38, 1-based): chr3:113,784,738, A>G. VCF-style: chr3-113784738-A-G. GRCh37 (hg19) VCF-style: chr3-113503585-A-G.
Other names: short protein forms S157G.
Identifiers: ClinVar variation 4702871 (VCV004702871.1).